The following is an entry in ClinVar:

Conditions:
Breast-ovarian cancer, familial, susceptibility to, 1 (BROVCA1). Also called: BRCA1 Hereditary Breast and Ovarian Cancer; OVARIAN CANCER, SUSCEPTIBILITY TO. Identifiers: Orphanet 145, MedGen C2676676, MONDO:0011450, OMIM 604370. Disease mechanism: loss of function.

Submission:

Brotman Baty Institute, University of Washington
No classification provided (evidence only). Condition: Breast-ovarian cancer, familial 1. Review status: no classification provided. Collection method: in vitro. Allele origin: not applicable. Functional consequence: functionally_normal.
ClinVar note: "not provided" was previously submitted as the classification for the variant. However, the classification appeared to be based only on an observation of functional data so it was converted to no classification on 2025-07-30.

NM_007294.4(BRCA1):c.135-8A>C

Gene: BRCA1 (BRCA1 DNA repair associated; minus strand). Cytogenetic location: 17q21.31.
Variant type: single nucleotide variant.
Coding change: c.135-8A>C on transcript NM_007294.4 (MANE Select); 8 bases into the intron before coding-DNA position 135, A replaced by C.
Molecular consequence: intron variant.
Genome position (GRCh38, 1-based): chr17:43,106,541, T>G on the plus strand (A>C on the coding strand, the complement: BRCA1 is on the minus strand). VCF-style: chr17-43106541-T-G. GRCh37 (hg19) VCF-style: chr17-41258558-T-G.
Other names: c.135-8A>C (NM_001408426.1, NM_001407982.1, NM_001407970.1 and 167 more transcripts); c.-7-8A>C (NM_001408458.1, NM_001407931.1, NM_001407747.1 and 99 more transcripts); c.-218-11681A>C (NM_001407967.1, NM_001407966.1); c.-169-1585A>C (NM_001407959.1, NM_001407962.1, NM_001408512.1 and 4 more transcripts); c.-54-8A>C (NM_001407885.1, NM_001407886.1, NM_001407898.1 and 58 more transcripts); c.81-1585A>C (NM_001408451.1); c.135-1585A>C (NM_001408475.1, NM_001407875.1, NM_001407659.1 and 21 more transcripts).
Identifiers: ClinVar variation 867867 (VCV000867867.3), dbSNP rs2054798254, ClinGen allele CA916080923.
Genomic context (GRCh38, chr17:43,106,541, plus strand): 5'-AAGGACACTGTGAAGGCCCTTTCTTCTGGTTGAGAAGTTTCAGCATGCAAAATCTATAAA[T>G]TATAAAGAAAGAAAGAACAATTTAATTTACTTCCTTTTGTAGAAAGAATACTCAAAAGGC-3'